The following is an entry in ClinVar:

NM_000534.5(PMS1):c.2377T>C (p.Tyr793His)

Gene: PMS1 (PMS1 homolog 1, mismatch repair system component; plus strand). Cytogenetic location: 2q32.2.
Variant type: single nucleotide variant.
Coding change: c.2377T>C on transcript NM_000534.5 (MANE Select); coding-DNA position 2377, T replaced by C.
Protein change: p.Tyr793His; replaces tyrosine 793 with histidine.
Molecular consequence: missense variant. On other transcripts: non-coding transcript variant (1).
Genome position (GRCh38, 1-based): chr2:189,867,833, T>C. VCF-style: chr2-189867833-T-C. GRCh37 (hg19) VCF-style: chr2-190732559-T-C.
Other names: c.2260T>C, p.Tyr754His (NM_001128143.2); c.1891T>C, p.Tyr631His (NM_001128144.2); c.1849T>C, p.Tyr617His (NM_001289408.2, NM_001289409.2); c.1774T>C, p.Tyr592His (NM_001321044.2); c.2377T>C, p.Tyr793His (NM_001321045.2, NM_001321047.2, NM_001321048.2); c.2194T>C, p.Tyr732His (NM_001321046.2); short protein forms Y793H, Y631H, Y732H, Y754H, Y592H, Y617H.
Identifiers: ClinVar variation 135049 (VCV000135049.6), dbSNP rs1145234, ClinGen allele CA161519.

ClinVar aggregate classification (germline): Benign. Review status: criteria provided, multiple submitters, no conflicts (2 of 4 stars). 3 submissions from 3 submitters: Benign (2). 1 of the submissions does not count toward it. Last evaluated 2019-12-31.

Allele frequency attached by ClinVar (database versions not stated): gnomAD 0.01429 and 0.01315; ExAC 0.00456; 1000 Genomes Project 30x 0.01265; gnomAD exomes 0.00150 and 0.00388; TOPMed 0.01482; ESP Exome Variant Server 0.01584; 1000 Genomes Project 0.01158.
gnomAD v4.1: 4,251 of 1,579,274 alleles (0.27%); highest among the groups gnomAD compares: African/African-American, 4.5%; 70 homozygotes.

Submissions (3):

Labcorp Genetics (formerly Invitae), Labcorp
Classification: Benign. Last evaluated: 2019-12-31. Review status: criteria provided, single submitter. Criteria: Invitae Variant Classification Sherloc (09022015). Collection method: clinical testing. Allele origin: germline.

Breakthrough Genomics
Classification: Benign. Review status: criteria provided, single submitter. Criteria: ACMG Guidelines, 2015. Collection method: not provided. Allele origin: germline. Inheritance: Unknown mechanism. Affected: yes.

ITMI
No classification provided. Condition: AllHighlyPenetrant. Last evaluated: 2013-09-19. Review status: no classification provided. Collection method: reference population. Allele origin: germline. Not counted in ClinVar's aggregate classification.
Comment: Please see associated publication for description of ethnicities

Literature cited by the submitters: PubMed 24728327 (cited by ITMI).